The following is an entry in ClinVar:

NM_001042492.3(NF1):c.4252A>G (p.Ile1418Val)

Gene: NF1 (neurofibromin 1; plus strand). Cytogenetic location: 17q11.2.
Variant type: single nucleotide variant.
Coding change: c.4252A>G on transcript NM_001042492.3 (MANE Select); coding-DNA position 4252, A replaced by G.
Protein change: p.Ile1418Val; replaces isoleucine 1418 with valine.
Molecular consequence: missense variant.
Genome position (GRCh38, 1-based): chr17:31,258,422, A>G. VCF-style: chr17-31258422-A-G. GRCh37 (hg19) VCF-style: chr17-29585440-A-G.
Other names: c.4189A>G, p.Ile1397Val (NM_000267.4); short protein forms I1397V, I1418V.
Identifiers: ClinVar variation 187392 (VCV000187392.14), dbSNP rs369345045, ClinGen allele CA197535.

ClinVar aggregate classification (germline): Conflicting classifications of pathogenicity. Review status: criteria provided, conflicting classifications (1 of 4 stars). 6 submissions from 5 submitters: Uncertain significance (2); Benign (1); Likely benign (2). 1 of the submissions does not count toward it. Last evaluated 2025-07-23.

Conditions:
Juvenile myelomonocytic leukemia (JMML). Also called: LEUKEMIA, JUVENILE MYELOMONOCYTIC, SOMATIC. Identifiers: Orphanet 86834, MedGen C0349639, MONDO:0011908, OMIM 607785, HP:0012209.
Café-au-lait macules with pulmonary stenosis (WTSN). Also called: PULMONIC STENOSIS WITH CAFE-AU-LAIT SPOTS. Identifiers: MedGen C0553586, MONDO:0008672, OMIM 193520.
Neurofibromatosis, type 1 (NF1). Also called: NEUROFIBROMATOSIS, TYPE I, SOMATIC; VON RECKLINGHAUSEN DISEASE; Peripheral type neurofibromatosis; Neurofibromatosis, type I. Identifiers: Orphanet 636, MedGen C0027831, MONDO:0018975, OMIM 162200. Disease mechanism: loss of function.
Neurofibromatosis-Noonan syndrome (NFNS). Also called: NEUROFIBROMATOSIS WITH NOONAN PHENOTYPE. Identifiers: Orphanet 638, MedGen C2931482, MONDO:0011035, OMIM 601321. Disease mechanism: loss of function.
Neurofibromatosis, familial spinal (FSNF). Identifiers: Orphanet 636, MedGen C1834235, MONDO:0008078, OMIM 162210. Disease mechanism: loss of function.
Hereditary cancer-predisposing syndrome. Also called: Hereditary Cancer Syndrome; Neoplastic Syndromes, Hereditary; Tumor predisposition; Hereditary neoplastic syndrome. Identifiers: Orphanet 140162, MedGen C0027672, MeSH D009386, MONDO:0015356.
Cardiovascular phenotype. Identifiers: MedGen CN230736.

Allele frequency attached by ClinVar (database versions not stated): gnomAD exomes below 0.00001; ExAC 0.00001; gnomAD 0.00001; TOPMed 0.00002; ESP Exome Variant Server 0.00008.
gnomAD v4.1: 3 of 1,613,882 alleles (0.00019%); highest among the groups gnomAD compares: African/African-American, 0.0027%; no homozygotes.

Submissions (6):

Labcorp Genetics (formerly Invitae), Labcorp
Classification: Benign for Neurofibromatosis, type 1. Last evaluated: 2025-07-23. Review status: criteria provided, single submitter. Criteria: Invitae Variant Classification Sherloc (09022015). Collection method: clinical testing. Allele origin: germline.

Fulgent Genetics
Classification: Uncertain significance for Neurofibromatosis, type 1; Neurofibromatosis, familial spinal; Café-au-lait macules with pulmonary stenosis; Neurofibromatosis-Noonan syndrome; Juvenile myelomonocytic leukemia. Last evaluated: 2024-06-11. Review status: criteria provided, single submitter. Criteria: ACMG Guidelines, 2015. Collection method: clinical testing. Allele origin: germline.

Baylor Genetics
Classification: Uncertain significance for Juvenile myelomonocytic leukemia. Last evaluated: 2023-11-18. Review status: criteria provided, single submitter. Criteria: ACMG Guidelines, 2015. Collection method: clinical testing. Allele origin: unknown.

Ambry Genetics
Classification: Likely benign for Cardiovascular phenotype; Hereditary cancer-predisposing syndrome. Last evaluated: 2017-09-12. Review status: criteria provided, single submitter. Criteria: Ambry Variant Classification Scheme 2023. Collection method: clinical testing. Allele origin: germline.

Ambry Genetics
Classification: Likely benign for Hereditary cancer-predisposing syndrome. Last evaluated: 2014-12-10. Review status: criteria provided, single submitter. Criteria: Ambry Autosomal Dominant and X-Linked criteria (10/2015). Collection method: clinical testing. Allele origin: germline. Observed: 1 variant allele.
Comment: Co-occurence with a mutation in another gene that clearly explains a proband's phenotype;In silico models in agreement (benign)

Gharavi Laboratory, Columbia University
Classification: Uncertain significance. Last evaluated: 2018-09-16. Review status: no assertion criteria provided. Criteria: ACMG Guidelines, 2015. Collection method: research. Allele origin: germline. Affected: no. Not counted in ClinVar's aggregate classification.